The following is an entry in ClinVar:

NM_007294.4(BRCA1):c.1144del (p.Val382fs)

Gene: BRCA1 (BRCA1 DNA repair associated; minus strand). Cytogenetic location: 17q21.31.
Variant type: Deletion.
Coding change: c.1144del on transcript NM_007294.4 (MANE Select); coding-DNA position 1144, one base deleted (G; older notation c.1144delG).
Protein change: p.Val382fs; shifts the reading frame from valine 382.
Molecular consequence: frameshift variant. On other transcripts: intron variant (137).
Genome position (GRCh38, 1-based): chr17:43,094,387, C deleted on the plus strand (G on the coding strand, the reverse complement: BRCA1 is on the minus strand). VCF-style (leftmost placement, unchanged base first): chr17-43094386-AC-A. GRCh37 (hg19) VCF-style: chr17-41246403-AC-A.
Other names: c.1018del, p.Val340fs (NM_001407670.1, NM_001407671.1, NM_001407672.1 and 11 more transcripts); c.1000del, p.Val334fs (NM_001407845.1, NM_001407846.1, NM_001407847.1 and 20 more transcripts); c.1021del, p.Val341fs (NM_001407674.1, NM_001407675.1, NM_001407676.1 and 19 more transcripts); c.1003del, p.Val335fs (NM_001407850.1, NM_001407851.1, NM_001407852.1 and 29 more transcripts); c.931del, p.Val311fs (NM_001407853.1, NM_001407894.1, NM_001407898.1 and 9 more transcripts); c.1144del, p.Val382fs (NM_001407854.1, NM_001407858.1, NM_001407859.1 and 30 more transcripts); c.1141del, p.Val381fs (NM_001407860.1, NM_001407861.1, NM_001407587.1 and 22 more transcripts); c.940del, p.Val314fs (NM_001407874.1, NM_001407875.1); and 40 more; short protein forms V254fs, V334fs, V335fs, V356fs, V381fs, V271fs, V311fs, V294fs.
Identifiers: ClinVar variation 2851937 (VCV002851937.3), dbSNP rs2552220762, ClinGen allele CA2739265615.

ClinVar aggregate classification (germline): Pathogenic (1 of 4 stars; one submission).

Conditions:
Hereditary breast ovarian cancer syndrome. Also called: Hereditary breast and ovarian cancer syndrome (HBOC); Hereditary breast and ovarian cancer syndrome; Breast and ovarian cancer; BRCA1- and BRCA2-Associated Hereditary Breast and Ovarian Cancer; Hereditary breast and ovarian cancer; Hereditary breast and/or ovarian cancer syndrome. Identifiers: Orphanet 145, MedGen C0677776, MeSH D061325, MONDO:0003582. Disease mechanism: loss of function.

Submission:

Labcorp Genetics (formerly Invitae), Labcorp
Classification: Pathogenic for Hereditary breast ovarian cancer syndrome. Last evaluated: 2023-04-04. Review status: criteria provided, single submitter. Criteria: Invitae Variant Classification Sherloc (09022015). Collection method: clinical testing. Allele origin: germline.
Comment: This sequence change creates a premature translational stop signal (p.Val382Leufs*12) in the BRCA1 gene. It is expected to result in an absent or disrupted protein product. Loss-of-function variants in BRCA1 are known to be pathogenic (PMID: 20104584). This variant is not present in population databases (gnomAD no frequency). This variant has not been reported in the literature in individuals affected with BRCA1-related conditions. For these reasons, this variant has been classified as Pathogenic.

Literature cited by the submitters: PubMed 20104584.